The following is an entry in ClinVar:

NM_001692.4(ATP6V1B1):c.640C>A (p.Leu214Met)

Gene: ATP6V1B1 (ATPase H+ transporting V1 subunit B1; plus strand). Cytogenetic location: 2p13.3.
Variant type: single nucleotide variant.
Coding change: c.640C>A on transcript NM_001692.4 (MANE Select); coding-DNA position 640, C replaced by A.
Protein change: p.Leu214Met; replaces leucine 214 with methionine.
Molecular consequence: missense variant.
Genome position (GRCh38, 1-based): chr2:70,960,975, C>A. VCF-style: chr2-70960975-C-A. GRCh37 (hg19) VCF-style: chr2-71188105-C-A.
Other names: short protein forms L214M.
Identifiers: ClinVar variation 1003846 (VCV001003846.6), dbSNP rs1258706231, ClinGen allele CA347182833.

ClinVar aggregate classification (germline): Uncertain significance (1 of 4 stars; one submission).

Allele frequency attached by ClinVar (database versions not stated): gnomAD exomes below 0.00001; TOPMed below 0.00001; gnomAD 0.00001.
gnomAD v4.1: 2 of 1,606,684 alleles (0.00012%); highest among the groups gnomAD compares: Non-Finnish European, 0.00017%; no homozygotes.

Submission:

Labcorp Genetics (formerly Invitae), Labcorp
Classification: Uncertain significance. Last evaluated: 2021-09-01. Review status: criteria provided, single submitter. Criteria: Invitae Variant Classification Sherloc (09022015). Collection method: clinical testing. Allele origin: germline.
Comment: This sequence change replaces leucine with methionine at codon 214 of the ATP6V1B1 protein (p.Leu214Met). The leucine residue is moderately conserved and there is a small physicochemical difference between leucine and methionine. This variant is not present in population databases (ExAC no frequency). This variant has not been reported in the literature in individuals affected with ATP6V1B1-related conditions. Algorithms developed to predict the effect of missense changes on protein structure and function output the following: SIFT: "Tolerated"; PolyPhen-2: "Benign"; Align-GVGD: "Class C0". The methionine amino acid residue is found in multiple mammalian species, which suggests that this missense change does not adversely affect protein function. In summary, the available evidence is currently insufficient to determine the role of this variant in disease. Therefore, it has been classified as a Variant of Uncertain Significance.